The following is an entry in ClinVar:

ClinVar aggregate classification (germline): Uncertain significance. Review status: criteria provided, multiple submitters, no conflicts (2 of 4 stars). 3 submissions from 3 submitters: Uncertain significance (3). Last evaluated 2025-10-02.

Conditions:
Jeune thoracic dystrophy. Also called: Short-rib thoracic dysplasia; Jeune syndrome; Infantile thoracic dystrophy; Thoracic pelvic phalangeal dystrophy; Jeune's syndrome; Chondroectodermal dysplasia-like syndrome. Identifiers: Orphanet 474, MedGen C0265275, MONDO:0018770.
Nephronophthisis. Also called: Juvenile Nephronophthisis. Identifiers: Orphanet 655, MedGen C0687120, MONDO:0019005, HP:0000090.
Inborn genetic diseases. Identifiers: MedGen C0950123, MeSH D030342.
Asphyxiating thoracic dystrophy 4 (SRTD4). Also called: SHORT-RIB THORACIC DYSPLASIA 4 WITH OR WITHOUT POLYDACTYLY; SHORT-RIB THORACIC DYSPLASIA 4. Identifiers: Orphanet 474, MedGen C3151185, MONDO:0013441, OMIM 613819.
Nephronophthisis 12 (NPHP12). Identifiers: Orphanet 655, MedGen C3151186, MONDO:0013442, OMIM 613820.

Allele frequency attached by ClinVar (database versions not stated): gnomAD exomes 0.00001 and 0.00002; ExAC 0.00002; gnomAD 0.00002 and 0.00003; TOPMed 0.00003; 1000 Genomes Project 30x 0.00016; 1000 Genomes Project 0.00020.
gnomAD v4.1: 8 of 1,614,048 alleles (0.0005%); highest among the groups gnomAD compares: African/African-American, 0.0067%; no homozygotes.

Submissions (3):

Ambry Genetics
Classification: Uncertain significance for Inborn genetic diseases. Last evaluated: 2025-10-02. Review status: criteria provided, single submitter. Criteria: Ambry Variant Classification Scheme 2023. Collection method: clinical testing. Allele origin: germline.

Labcorp Genetics (formerly Invitae), Labcorp
Classification: Uncertain significance for Jeune thoracic dystrophy; Nephronophthisis. Last evaluated: 2025-06-12. Review status: criteria provided, single submitter. Criteria: Invitae Variant Classification Sherloc (09022015). Collection method: clinical testing. Allele origin: germline.
Comment: This sequence change replaces aspartic acid, which is acidic and polar, with asparagine, which is neutral and polar, at codon 1214 of the TTC21B protein (p.Asp1214Asn). This variant is present in population databases (rs554851165, gnomAD 0.01%). This variant has not been reported in the literature in individuals affected with TTC21B-related conditions. ClinVar contains an entry for this variant (Variation ID: 1407384). Invitae Evidence Modeling of protein sequence and biophysical properties (such as structural, functional, and spatial information, amino acid conservation, physicochemical variation, residue mobility, and thermodynamic stability) indicates that this missense variant is not expected to disrupt TTC21B protein function with a negative predictive value of 80%. In summary, the available evidence is currently insufficient to determine the role of this variant in disease. Therefore, it has been classified as a Variant of Uncertain Significance.

Fulgent Genetics
Classification: Uncertain significance for Asphyxiating thoracic dystrophy 4; Nephronophthisis 12. Last evaluated: 2024-01-21. Review status: criteria provided, single submitter. Criteria: ACMG Guidelines, 2015. Collection method: clinical testing. Allele origin: germline.

NM_024753.5(TTC21B):c.3640G>A (p.Asp1214Asn)

Gene: TTC21B (tetratricopeptide repeat domain 21B; minus strand). Cytogenetic location: 2q24.3.
Variant type: single nucleotide variant.
Coding change: c.3640G>A on transcript NM_024753.5 (MANE Select); coding-DNA position 3640, G replaced by A.
Protein change: p.Asp1214Asn; replaces aspartic acid 1214 with asparagine.
Molecular consequence: missense variant.
Genome position (GRCh38, 1-based): chr2:165,883,838, C>T on the plus strand (G>A on the coding strand, the complement: TTC21B is on the minus strand). VCF-style: chr2-165883838-C-T. GRCh37 (hg19) VCF-style: chr2-166740348-C-T.
Other names: c.3640G>A (NM_024753.3); short protein forms D1214N.
Identifiers: ClinVar variation 1407384 (VCV001407384.8), dbSNP rs554851165, ClinGen allele CA1941461.